The following is an entry in ClinVar:

ClinVar aggregate classification (germline): Conflicting classifications of pathogenicity. Review status: criteria provided, conflicting classifications (1 of 4 stars). 2 submissions from 2 submitters: Uncertain significance (1); Likely benign (1). Last evaluated 2025-08-30.

Conditions:
Inborn genetic diseases. Identifiers: MedGen C0950123, MeSH D030342.

Allele frequency attached by ClinVar (database versions not stated): ExAC 0.00030; 1000 Genomes Project 0.00120; 1000 Genomes Project 30x 0.00125.

Submissions (2):

Ambry Genetics
Classification: Uncertain significance for Inborn genetic diseases. Last evaluated: 2025-08-30. Review status: criteria provided, single submitter. Criteria: Ambry Variant Classification Scheme 2023. Collection method: clinical testing. Allele origin: germline.

CeGaT Center for Human Genetics Tuebingen
Classification: Likely benign. Last evaluated: 2024-07-01. Review status: criteria provided, single submitter. Criteria: CeGaT Center For Human Genetics Tuebingen Variant Classification Criteria Version 2. Collection method: clinical testing. Allele origin: germline. Affected: yes. Observed: 2 variant alleles.
Comment: FLG: BP4

NM_002016.2(FLG):c.8032G>T (p.Ala2678Ser)

Genes: CCDST (cervical cancer associated DHX9 suppressive transcript; plus strand), FLG (filaggrin; minus strand). Cytogenetic location: 1q21.3.
Variant type: single nucleotide variant.
Coding change: c.8032G>T on transcript NM_002016.2 (MANE Select); coding-DNA position 8032, G replaced by T.
Protein change: p.Ala2678Ser; replaces alanine 2678 with serine.
Molecular consequence: missense variant.
Genome position (GRCh38, 1-based): chr1:152,306,854, C>A on the plus strand (G>T on the coding strand, the complement: FLG is on the minus strand). VCF-style: chr1-152306854-C-A. GRCh37 (hg19) VCF-style: chr1-152279330-C-A.
Other names: short protein forms A2678S.
Identifiers: ClinVar variation 2512981 (VCV002512981.27), dbSNP rs565089874, ClinGen allele CA1104448.